The following is an entry in ClinVar:

ClinVar aggregate classification (germline): Pathogenic (1 of 4 stars; one submission).

Conditions:
DYRK1A-related intellectual disability syndrome (MRD7). Also called: DYRK1A Syndrome; Intellectual developmental disorder, autosomal dominant 7. Identifiers: Orphanet 464306, MedGen C5568143, MONDO:0013578, OMIM 614104.

Submission:

Labcorp Genetics (formerly Invitae), Labcorp
Classification: Pathogenic for DYRK1A-related intellectual disability syndrome. Last evaluated: 2022-02-18. Review status: criteria provided, single submitter. Criteria: Invitae Variant Classification Sherloc (09022015). Collection method: clinical testing. Allele origin: germline.
Comment: This sequence change falls in intron 4 of the DYRK1A gene. It does not directly change the encoded amino acid sequence of the DYRK1A protein. It affects a nucleotide within the consensus splice site. This variant is not present in population databases (gnomAD no frequency). This variant has been observed in individual(s) with clinical features of DYRK1A-related conditions (Invitae). In at least one individual the variant was observed to be de novo. Variants that disrupt the consensus splice site are a relatively common cause of aberrant splicing (PMID: 17576681, 9536098). Algorithms developed to predict the effect of sequence changes on RNA splicing suggest that this variant may create or strengthen a splice site. For these reasons, this variant has been classified as Pathogenic.

Literature cited by the submitters: PubMed 17576681; PubMed 9536098.

NM_001347721.2(DYRK1A):c.490-3T>G

Gene: DYRK1A (dual specificity tyrosine phosphorylation regulated kinase 1A; plus strand). Cytogenetic location: 21q22.13.
Variant type: single nucleotide variant.
Coding change: c.490-3T>G on transcript NM_001347721.2 (MANE Select); 3 bases into the intron before coding-DNA position 490, T replaced by G.
Molecular consequence: intron variant.
Genome position (GRCh38, 1-based): chr21:37,486,464, T>G. VCF-style: chr21-37486464-T-G. GRCh37 (hg19) VCF-style: chr21-38858766-T-G.
Other names: c.517-3T>G (NM_001396.5, NM_101395.2, NM_130438.2); c.490-3T>G (NM_001347722.2, NM_130436.2); c.403-3T>G (NM_001347723.2).
Identifiers: ClinVar variation 2081144 (VCV002081144.4), dbSNP rs2518009959, ClinGen allele CA2580098687.